The following is an entry in ClinVar:

NM_000350.3(ABCA4):c.1399C>T (p.Gln467Ter)

Gene: ABCA4 (ATP binding cassette subfamily A member 4; minus strand). Cytogenetic location: 1p22.1.
Variant type: single nucleotide variant.
Coding change: c.1399C>T on transcript NM_000350.3 (MANE Select); coding-DNA position 1399, C replaced by T.
Protein change: p.Gln467Ter; replaces glutamine 467 with a stop codon.
Molecular consequence: nonsense.
Genome position (GRCh38, 1-based): chr1:94,077,845, G>A on the plus strand (C>T on the coding strand, the complement: ABCA4 is on the minus strand). VCF-style: chr1-94077845-G-A. GRCh37 (hg19) VCF-style: chr1-94543401-G-A.
Other names: c.1399C>T, p.Gln467Ter (NM_001425324.1); short protein forms Q467*.
Identifiers: ClinVar variation 971613 (VCV000971613.8), dbSNP rs1661578607, ClinGen allele CA341282121.

ClinVar aggregate classification (germline): Pathogenic (1 of 4 stars; one submission).

Allele frequency attached by ClinVar (database versions not stated): gnomAD exomes below 0.00001.
gnomAD v4.1: 1 of 1,614,216 alleles (0.000062%); highest among the groups gnomAD compares: Non-Finnish European, 0.000085%; no homozygotes.

Submission:

Labcorp Genetics (formerly Invitae), Labcorp
Classification: Pathogenic. Last evaluated: 2025-07-28. Review status: criteria provided, single submitter. Criteria: Invitae Variant Classification Sherloc (09022015). Collection method: clinical testing. Allele origin: germline.
Comment: This sequence change creates a premature translational stop signal (p.Gln467*) in the ABCA4 gene. It is expected to result in an absent or disrupted protein product. Loss-of-function variants in ABCA4 are known to be pathogenic (PMID: 10958761, 24938718, 25312043, 26780318). This variant is not present in population databases (gnomAD no frequency). This variant has not been reported in the literature in individuals affected with ABCA4-related conditions. ClinVar contains an entry for this variant (Variation ID: 971613). Algorithms developed to predict the effect of sequence changes on RNA splicing suggest that this variant may disrupt the consensus splice site. For these reasons, this variant has been classified as Pathogenic.

Literature cited by the submitters: PubMed 10958761; PubMed 24938718; PubMed 25312043; PubMed 26780318.